The following is an entry in ClinVar:

NM_199420.4(POLQ):c.3049C>A (p.Gln1017Lys)

Gene: POLQ (DNA polymerase theta; minus strand). Cytogenetic location: 3q13.33.
Variant type: single nucleotide variant.
Coding change: c.3049C>A on transcript NM_199420.4 (MANE Select); coding-DNA position 3049, C replaced by A.
Protein change: p.Gln1017Lys; replaces glutamine 1017 with lysine.
Molecular consequence: missense variant.
Genome position (GRCh38, 1-based): chr3:121,489,882, G>T on the plus strand (C>A on the coding strand, the complement: POLQ is on the minus strand). VCF-style: chr3-121489882-G-T. GRCh37 (hg19) VCF-style: chr3-121208729-G-T.
Other names: short protein forms Q1017K.
Identifiers: ClinVar variation 1799217 (VCV001799217.16), dbSNP rs150510978, ClinGen allele CA2563136.

ClinVar aggregate classification (germline): Likely benign. Review status: criteria provided, multiple submitters, no conflicts (2 of 4 stars). 2 submissions from 2 submitters: Likely benign (2). Last evaluated 2025-02-01.

Allele frequency attached by ClinVar (database versions not stated): gnomAD 0.00003; TOPMed 0.00003; ESP Exome Variant Server 0.00008; ExAC 0.00013.
gnomAD v4.1: 113 of 1,603,958 alleles (0.007%); highest among the groups gnomAD compares: South Asian, 0.034%; 2 homozygotes.

Submissions (2):

CeGaT Center for Human Genetics Tuebingen
Classification: Likely benign. Last evaluated: 2025-02-01. Review status: criteria provided, single submitter. Criteria: CeGaT Center For Human Genetics Tuebingen Variant Classification Criteria Version 2. Collection method: clinical testing. Allele origin: germline. Affected: yes. Observed: 1 variant allele.
Comment: POLQ: BP4, BS2

Ambry Genetics
Classification: Likely benign. Last evaluated: 2024-04-23. Review status: criteria provided, single submitter. Criteria: Ambry Variant Classification Scheme 2023. Collection method: clinical testing. Allele origin: germline.